The following is an entry in ClinVar:

NM_001367721.1(CASK):c.2520+1427A>G

Gene: CASK (calcium/calmodulin dependent serine protein kinase; minus strand). Cytogenetic location: Xp11.4.
Variant type: single nucleotide variant.
Coding change: c.2520+1427A>G on transcript NM_001367721.1 (MANE Select); 1427 bases into the intron after coding-DNA position 2520, A replaced by G.
Molecular consequence: intron variant.
Genome position (GRCh38, 1-based): chrX:41,529,580, T>C on the plus strand (A>G on the coding strand, the complement: CASK is on the minus strand). VCF-style: chrX-41529580-T-C. GRCh37 (hg19) VCF-style: chrX-41388833-T-C.
Other names: c.2433+1427A>G (NM_001126055.3); c.2502+1427A>G (NM_001410745.1); c.2436+1427A>G (NM_001126054.3); c.2505+1427A>G (NM_003688.4).
Identifiers: ClinVar variation 2660347 (VCV002660347.24), dbSNP rs2519682130, ClinGen allele CA2695200177.

ClinVar aggregate classification (germline): Likely benign (1 of 4 stars; one submission).

Submission:

CeGaT Center for Human Genetics Tuebingen
Classification: Likely benign. Last evaluated: 2022-08-01. Review status: criteria provided, single submitter. Criteria: CeGaT Center For Human Genetics Tuebingen Variant Classification Criteria Version 2. Collection method: clinical testing. Allele origin: germline. Affected: yes. Observed: 1 variant allele.
Comment: CASK: PM2:Supporting, BP4, BP7